The following is an entry in ClinVar:

NM_001257.5(CDH13):c.730A>G (p.Ile244Val)

Genes: CDH13 (cadherin 13; plus strand), LOC126862420 (P300/CBP strongly-dependent group 1 enhancer GRCh37_chr16:83377629-83378828; plus strand). Cytogenetic location: 16q23.3.
Variant type: single nucleotide variant.
Coding change: c.730A>G on transcript NM_001257.5 (MANE Select); coding-DNA position 730, A replaced by G.
Protein change: p.Ile244Val; replaces isoleucine 244 with valine.
Molecular consequence: missense variant. On other transcripts: 5 prime UTR variant (1).
Genome position (GRCh38, 1-based): chr16:83,344,955, A>G. VCF-style: chr16-83344955-A-G. GRCh37 (hg19) VCF-style: chr16-83378560-A-G.
Other names: c.871A>G (NM_001220488.1); c.871A>G, p.Ile291Val (NM_001220488.2); c.613A>G, p.Ile205Val (NM_001220489.2); c.-33A>G (NM_001220490.2); short protein forms I244V, I291V, I205V.
Identifiers: ClinVar variation 4223667 (VCV004223667.2).
Genomic context (GRCh38, chr16:83,344,955, plus strand): 5'-ACTCTCGAGGGGCCGGTGCCTCTGGAAGTCATTGTGATTGATCAGAATGACAACCGACCG[A>G]TCTTTCGGGAAGGCCCCTACATCGGCCACGTCATGGAAGGGTCACCCACAGGTATGTCAC-3'
Protein context (NP_001248.1, residues 234-254): IVIDQNDNRP[Ile244Val]FREGPYIGHV

ClinVar aggregate classification (germline): Uncertain significance. Review status: criteria provided, multiple submitters, no conflicts (2 of 4 stars). 2 submissions from 2 submitters: Uncertain significance (2). Last evaluated 2026-08-20.

Conditions:
CDH13-related disorder. Also called: CDH13-related condition.

Submissions (2):

PreventionGenetics, part of Exact Sciences
Classification: Uncertain significance for CDH13-related condition. Last evaluated: 2026-08-20. Review status: criteria provided, single submitter. Criteria: ACMG Guidelines, 2015. Collection method: clinical testing. Allele origin: germline.
Comment: The CDH13 c.871A>G variant is predicted to result in the amino acid substitution p.Ile291Val. To our knowledge, this variant has not been reported in the literature or in a large population database (gnomAD), indicating this variant is rare. At this time, the clinical significance of this variant is uncertain due to the absence of conclusive functional and genetic evidence.

Ambry Genetics
Classification: Uncertain significance. Last evaluated: 2025-06-23. Review status: criteria provided, single submitter. Criteria: Ambry Variant Classification Scheme 2023. Collection method: clinical testing. Allele origin: germline.